The following is an entry in ClinVar:

NM_014233.4(UBTF):c.961A>G (p.Ser321Gly)

Genes: ATXN7L3-AS1 (ATXN7L3 antisense RNA 1; plus strand), UBTF (upstream binding transcription factor; minus strand). Cytogenetic location: 17q21.31.
Variant type: single nucleotide variant.
Coding change: c.961A>G on transcript NM_014233.4 (MANE Select); coding-DNA position 961, A replaced by G.
Protein change: p.Ser321Gly; replaces serine 321 with glycine.
Molecular consequence: missense variant. On other transcripts: non-coding transcript variant (1).
Genome position (GRCh38, 1-based): chr17:44,211,692, T>C on the plus strand (A>G on the coding strand, the complement: UBTF is on the minus strand). VCF-style: chr17-44211692-T-C. GRCh37 (hg19) VCF-style: chr17-42289060-T-C.
Other names: c.850A>G, p.Ser284Gly (NM_001076683.2, NM_001076684.3); short protein forms S284G, S321G.
Identifiers: ClinVar variation 4077360 (VCV004077360.1).

ClinVar aggregate classification (germline): Uncertain significance (1 of 4 stars; one submission).

Submission:

GeneDx
Classification: Uncertain significance. Last evaluated: 2025-02-27. Review status: criteria provided, single submitter. Criteria: GeneDx Variant Classification Process June 2021. Collection method: clinical testing. Allele origin: germline. Affected: yes.
Comment: Not observed at significant frequency in large population cohorts (gnomAD); In silico analysis indicates that this missense variant does not alter protein structure/function; Has not been previously published as pathogenic or benign to our knowledge